The following is an entry in ClinVar:

NM_015450.3(POT1):c.728G>C (p.Ser243Thr)

Gene: POT1 (protection of telomeres 1; minus strand). Cytogenetic location: 7q31.33.
Variant type: single nucleotide variant.
Coding change: c.728G>C on transcript NM_015450.3 (MANE Select); coding-DNA position 728, G replaced by C.
Protein change: p.Ser243Thr; replaces serine 243 with threonine.
Molecular consequence: missense variant. On other transcripts: non-coding transcript variant (3).
Genome position (GRCh38, 1-based): chr7:124,853,113, C>G on the plus strand (G>C on the coding strand, the complement: POT1 is on the minus strand). VCF-style: chr7-124853113-C-G. GRCh37 (hg19) VCF-style: chr7-124493167-C-G.
Other names: c.335G>C, p.Ser112Thr (NM_001042594.2); short protein forms S112T, S243T.
Identifiers: ClinVar variation 5027166 (VCV005027166.1).
Genomic context (GRCh38, chr7:124,853,113, plus strand): 5'-AACTCTAAACTTAACATTGTCTGATTCTCTGAATTCATTGATTGAAGTTTGGTATGAAGG[C>G]TATAGATTCTAAGAAAGCTTCCAACCTAAAAAATAGATCATTTGTTATTTAGAAAGTGGG-3'
Protein context (NP_056265.2, residues 233-253): LKVGSFLRIY[Ser243Thr]LHTKLQSMNS

ClinVar aggregate classification (germline): Uncertain significance (1 of 4 stars; one submission).

Conditions:
Hereditary cancer-predisposing syndrome. Also called: Neoplastic Syndromes, Hereditary; Tumor predisposition; Hereditary neoplastic syndrome; Hereditary Cancer Syndrome. Identifiers: Orphanet 140162, MedGen C0027672, MeSH D009386, MONDO:0015356.

Submission:

Ambry Genetics
Classification: Uncertain significance for Hereditary cancer-predisposing syndrome. Last evaluated: 2026-07-20. Review status: criteria provided, single submitter. Criteria: Ambry Variant Classification Scheme 2023. Collection method: clinical testing. Allele origin: germline.
Comment: The p.S243T variant (also known as c.728G>C), located in coding exon 6 of the POT1 gene, results from a G to C substitution at nucleotide position 728. The serine at codon 243 is replaced by threonine, an amino acid with similar properties. This amino acid position is highly conserved in available vertebrate species. In addition, this alteration is predicted to be tolerated by in silico analysis. Based on the available evidence, the clinical significance of this variant remains unclear.